The following is an entry in ClinVar:

NM_000258.3(MYL3):c.268G>A (p.Ala90Thr)

Gene: MYL3 (myosin light chain 3; minus strand). Cytogenetic location: 3p21.31.
Variant type: single nucleotide variant.
Coding change: c.268G>A on transcript NM_000258.3 (MANE Select); coding-DNA position 268, G replaced by A.
Protein change: p.Ala90Thr; replaces alanine 90 with threonine.
Molecular consequence: missense variant.
Genome position (GRCh38, 1-based): chr3:46,860,715, C>T on the plus strand (G>A on the coding strand, the complement: MYL3 is on the minus strand). VCF-style: chr3-46860715-C-T. GRCh37 (hg19) VCF-style: chr3-46902205-C-T.
Other names: c.268G>A, p.Ala90Thr (NM_001406937.1, NM_001406938.1, NM_001406939.1); c.94G>A, p.Ala32Thr (NM_001406940.1, NM_001406941.1); short protein forms A90T, A32T.
Identifiers: ClinVar variation 4722742 (VCV004722742.1).

ClinVar aggregate classification (germline): Uncertain significance (1 of 4 stars; one submission).

Conditions:
Hypertrophic cardiomyopathy. Also called: HYPERTROPHIC MYOCARDIOPATHY. Identifiers: Orphanet 217569, MedGen C0007194, MeSH D002312, MONDO:0005045, HP:0001639.

Submission:

Labcorp Genetics (formerly Invitae), Labcorp
Classification: Uncertain significance for Hypertrophic cardiomyopathy. Last evaluated: 2025-07-13. Review status: criteria provided, single submitter. Criteria: Invitae Variant Classification Sherloc (09022015). Collection method: clinical testing. Allele origin: germline.
Comment: This sequence change replaces alanine, which is neutral and non-polar, with threonine, which is neutral and polar, at codon 90 of the MYL3 protein (p.Ala90Thr). This variant is not present in population databases (gnomAD no frequency). This variant has not been reported in the literature in individuals affected with MYL3-related conditions. An algorithm developed to predict the effect of missense changes on protein structure and function (PolyPhen-2) suggests that this variant is likely to be tolerated. In summary, the available evidence is currently insufficient to determine the role of this variant in disease. Therefore, it has been classified as a Variant of Uncertain Significance.